The following is an entry in ClinVar:

NM_001927.4(DES):c.898-37A>G

Gene: DES (desmin; plus strand). Cytogenetic location: 2q35.
Variant type: single nucleotide variant.
Coding change: c.898-37A>G on transcript NM_001927.4 (MANE Select); 37 bases into the intron before coding-DNA position 898, A replaced by G.
Molecular consequence: intron variant.
Genome position (GRCh38, 1-based): chr2:219,420,791, A>G. VCF-style: chr2-219420791-A-G. GRCh37 (hg19) VCF-style: chr2-220285513-A-G.
Other names: c.898-37A>G (NM_001382712.1, NM_001382711.1, NM_001382710.1); c.735+445A>G (NM_001382709.1); c.895-37A>G (NM_001382708.1); c.628-37A>G (NM_001382713.1).
Identifiers: ClinVar variation 3029618 (VCV003029618.2), dbSNP rs766123980, ClinGen allele CA2125182.

ClinVar aggregate classification (germline): Likely benign (0 of 4 stars; one submission).

Conditions:
DES-related disorder. Also called: DES-related condition.

Allele frequency attached by ClinVar (database versions not stated): gnomAD 0.00001; TOPMed 0.00001; ExAC 0.00002.

Submission:

PreventionGenetics, part of Exact Sciences
Classification: Likely benign for DES-related condition. Last evaluated: 2023-10-30. Review status: no assertion criteria provided. Collection method: clinical testing. Allele origin: germline.
Comment: This variant is classified as likely benign based on ACMG/AMP sequence variant interpretation guidelines (Richards et al. 2015 PMID: 25741868, with internal and published modifications).